The following is an entry in ClinVar:

ClinVar aggregate classification (germline): not provided (0 of 4 stars; one submission).

Allele frequency attached by ClinVar (database versions not stated): TOPMed 0.00003; gnomAD exomes 0.00001; gnomAD 0.00003.
gnomAD v4.1: 117 of 1,614,014 alleles (0.0072%); highest among the groups gnomAD compares: Non-Finnish European, 0.0091%; no homozygotes.

Submission:

ITMI
No classification provided. Condition: AllHighlyPenetrant. Last evaluated: 2013-09-19. Review status: no classification provided. Collection method: reference population. Allele origin: germline.
Comment: Please see associated publication for description of ethnicities

Literature cited by the submitters: PubMed 24728327.

NM_170606.3(KMT2C):c.8449A>G (p.Thr2817Ala)

Gene: KMT2C (lysine methyltransferase 2C; minus strand). Cytogenetic location: 7q36.1.
Variant type: single nucleotide variant.
Coding change: c.8449A>G on transcript NM_170606.3 (MANE Select); coding-DNA position 8449, A replaced by G.
Protein change: p.Thr2817Ala; replaces threonine 2817 with alanine.
Molecular consequence: missense variant.
Genome position (GRCh38, 1-based): chr7:152,177,004, T>C on the plus strand (A>G on the coding strand, the complement: KMT2C is on the minus strand). VCF-style: chr7-152177004-T-C. GRCh37 (hg19) VCF-style: chr7-151874089-T-C.
Other names: short protein forms T2817A.
Identifiers: ClinVar variation 134770 (VCV000134770.1), dbSNP rs587778499, ClinGen allele CA160711.